The following is an entry in ClinVar:

ClinVar aggregate classification (germline): Uncertain significance. Review status: criteria provided, multiple submitters, no conflicts (2 of 4 stars). 2 submissions from 2 submitters: Uncertain significance (2). Last evaluated 2023-03-21.

Conditions:
Inborn genetic diseases. Identifiers: MedGen C0950123, MeSH D030342.

Allele frequency attached by ClinVar (database versions not stated): gnomAD exomes below 0.00001; ExAC 0.00001.
gnomAD v4.1: 2 of 1,614,184 alleles (0.00012%); highest among the groups gnomAD compares: Non-Finnish European, 0.00017%; no homozygotes.

Submissions (2):

Labcorp Genetics (formerly Invitae), Labcorp
Classification: Uncertain significance. Last evaluated: 2023-03-21. Review status: criteria provided, single submitter. Criteria: Invitae Variant Classification Sherloc (09022015). Collection method: clinical testing. Allele origin: germline.
Comment: This sequence change replaces alanine, which is neutral and non-polar, with threonine, which is neutral and polar, at codon 188 of the TEAD1 protein (p.Ala188Thr). This variant is present in population databases (rs762076005, gnomAD 0.0009%). This variant has not been reported in the literature in individuals affected with TEAD1-related conditions. Advanced modeling of protein sequence and biophysical properties (such as structural, functional, and spatial information, amino acid conservation, physicochemical variation, residue mobility, and thermodynamic stability) performed at Invitae indicates that this missense variant is not expected to disrupt TEAD1 protein function. In summary, the available evidence is currently insufficient to determine the role of this variant in disease. Therefore, it has been classified as a Variant of Uncertain Significance.

Ambry Genetics
Classification: Uncertain significance for Inborn genetic diseases. Last evaluated: 2023-02-23. Review status: criteria provided, single submitter. Criteria: Ambry Variant Classification Scheme 2023. Collection method: clinical testing. Allele origin: germline.

NM_021961.6(TEAD1):c.562G>A (p.Ala188Thr)

Gene: TEAD1 (TEA domain transcription factor 1; plus strand). Cytogenetic location: 11p15.3.
Variant type: single nucleotide variant.
Coding change: c.562G>A on transcript NM_021961.6 (MANE Select); coding-DNA position 562, G replaced by A.
Protein change: p.Ala188Thr; replaces alanine 188 with threonine.
Molecular consequence: missense variant.
Genome position (GRCh38, 1-based): chr11:12,881,945, G>A. VCF-style: chr11-12881945-G-A. GRCh37 (hg19) VCF-style: chr11-12903492-G-A.
Other names: short protein forms A188T.
Identifiers: ClinVar variation 2488884 (VCV002488884.5), dbSNP rs762076005, ClinGen allele CA5891656.
Genomic context (GRCh38, chr11:12,881,945, plus strand): 5'-TCTGTTCCCAGCGTCAAGCCTTTTGTGCAGCAGGCCTACCCCATCCAGCCAGCGGTCACA[G>A]CCCCCATTCCAGGTGAGTGTCCCTGAAACTCCTTTTTGGGAGCACAGCCCCACACAGCTG-3'
Protein context (NP_068780.2, residues 178-198): QAYPIQPAVT[Ala188Thr]PIPGFEPASA